The following is an entry in ClinVar:

NM_013266.4(CTNNA3):c.1247C>T (p.Ala416Val)

Gene: CTNNA3 (catenin alpha 3; minus strand). Cytogenetic location: 10q21.3.
Variant type: single nucleotide variant.
Coding change: c.1247C>T on transcript NM_013266.4 (MANE Select); coding-DNA position 1247, C replaced by T.
Protein change: p.Ala416Val; replaces alanine 416 with valine.
Molecular consequence: missense variant.
Genome position (GRCh38, 1-based): chr10:66,766,298, G>A on the plus strand (C>T on the coding strand, the complement: CTNNA3 is on the minus strand). VCF-style: chr10-66766298-G-A. GRCh37 (hg19) VCF-style: chr10-68526056-G-A.
Other names: c.1247C>T, p.Ala416Val (NM_001127384.3); short protein forms A416V.
Identifiers: ClinVar variation 541665 (VCV000541665.6), dbSNP rs1032740164, ClinGen allele CA209049608.
Genomic context (GRCh38, chr10:66,766,298, plus strand): 5'-GTGAGTTACAGTTCTAGCATGCTTACCTCTACAAGCCTGCTGGTGTGTTCATGAAATATC[G>A]CAGCATATTCTTTTATTTCCTTTTCCCGGCCATTCTTAGCAGCTTCAATGAGAACCAAAA-3'
Protein context (NP_037398.2, residues 406-426): GREKEIKEYA[Ala416Val]IFHEHTSRLV

ClinVar aggregate classification (germline): Uncertain significance. Review status: criteria provided, multiple submitters, no conflicts (2 of 4 stars). 2 submissions from 2 submitters: Uncertain significance (2). Last evaluated 2025-09-27.

Conditions:
Arrhythmogenic right ventricular dysplasia 13. Also called: ARRHYTHMOGENIC RIGHT VENTRICULAR CARDIOMYOPATHY 13; Arrhythmogenic right ventricular dysplasia, familial, 13. Identifiers: MedGen C3810138, MONDO:0000908, OMIM 615616.

Allele frequency attached by ClinVar (database versions not stated): gnomAD exomes below 0.00001 and 0.00001; gnomAD 0.00001; TOPMed 0.00002; 1000 Genomes Project 30x 0.00031.

Submissions (2):

Labcorp Genetics (formerly Invitae), Labcorp
Classification: Uncertain significance for Arrhythmogenic right ventricular dysplasia 13. Last evaluated: 2025-09-27. Review status: criteria provided, single submitter. Criteria: Invitae Variant Classification Sherloc (09022015). Collection method: clinical testing. Allele origin: germline.
Comment: This sequence change replaces alanine, which is neutral and non-polar, with valine, which is neutral and non-polar, at codon 416 of the CTNNA3 protein (p.Ala416Val). This variant is present in population databases (no rsID available, gnomAD 0.006%). This variant has not been reported in the literature in individuals affected with CTNNA3-related conditions. ClinVar contains an entry for this variant (Variation ID: 541665). Invitae Evidence Modeling of protein sequence and biophysical properties (such as structural, functional, and spatial information, amino acid conservation, physicochemical variation, residue mobility, and thermodynamic stability) indicates that this missense variant is not expected to disrupt CTNNA3 protein function with a negative predictive value of 80%. In summary, the available evidence is currently insufficient to determine the role of this variant in disease. Therefore, it has been classified as a Variant of Uncertain Significance.

Revvity Omics, Revvity
Classification: Uncertain significance for Arrhythmogenic right ventricular dysplasia 13. Last evaluated: 2021-02-26. Review status: criteria provided, single submitter. Criteria: ACMG Guidelines, 2015. Collection method: clinical testing. Allele origin: germline.